The following is an entry in ClinVar:

NM_001429.4(EP300):c.3472C>T (p.Gln1158Ter)

Gene: EP300 (EP300 lysine acetyltransferase; plus strand). Cytogenetic location: 22q13.2.
Variant type: single nucleotide variant.
Coding change: c.3472C>T on transcript NM_001429.4 (MANE Select); coding-DNA position 3472, C replaced by T.
Protein change: p.Gln1158Ter; replaces glutamine 1158 with a stop codon.
Molecular consequence: nonsense.
Genome position (GRCh38, 1-based): chr22:41,157,379, C>T. VCF-style: chr22-41157379-C-T. GRCh37 (hg19) VCF-style: chr22-41553383-C-T.
Other names: c.3394C>T, p.Gln1132Ter (NM_001362843.2); short protein forms Q1158*, Q1132*.
Identifiers: ClinVar variation 280554 (VCV000280554.3), dbSNP rs886041739, ClinGen allele CA10603515.

ClinVar aggregate classification (germline): Pathogenic (1 of 4 stars; one submission).

Submission:

GeneDx
Classification: Pathogenic. Last evaluated: 2025-05-10. Review status: criteria provided, single submitter. Criteria: GeneDx Variant Classification Process June 2021. Collection method: clinical testing. Allele origin: germline. Affected: yes.
Comment: Nonsense variant predicted to result in protein truncation or nonsense mediated decay in a gene for which loss of function is a known mechanism of disease; Not observed at significant frequency in large population cohorts (gnomAD); This variant is associated with the following publications: (PMID: 33057194, 35982159)